The following is an entry in ClinVar:

NM_001868.4(CPA1):c.1141C>G (p.Leu381Val)

Gene: CPA1 (carboxypeptidase A1; plus strand). Cytogenetic location: 7q32.2.
Variant type: single nucleotide variant.
Coding change: c.1141C>G on transcript NM_001868.4 (MANE Select); coding-DNA position 1141, C replaced by G.
Protein change: p.Leu381Val; replaces leucine 381 with valine.
Molecular consequence: missense variant.
Genome position (GRCh38, 1-based): chr7:130,387,892, C>G. VCF-style: chr7-130387892-C-G. GRCh37 (hg19) VCF-style: chr7-130027733-C-G.
Other names: short protein forms L381V.
Identifiers: ClinVar variation 1731436 (VCV001731436.4), dbSNP rs1380914980, ClinGen allele CA369284327.
Genomic context (GRCh38, chr7:130,387,892, plus strand): 5'-AGTGGAAGCACTATTGACTGGACCTACAGCCAGGGCATCAAGTACTCCTTCACCTTCGAG[C>G]TCCGGGACACTGGGCGCTATGGCTTCCTGCTGCCAGCCTCCCAGATCATCCCCACAGCCA-3'
Protein context (NP_001859.1, residues 371-391): QGIKYSFTFE[Leu381Val]RDTGRYGFLL

ClinVar aggregate classification (germline): Uncertain significance (1 of 4 stars; one submission).

Conditions:
Hereditary pancreatitis (PCTT). Also called: Hereditary chronic pancreatitis; PRSS1-Related Hereditary Pancreatitis. Identifiers: Orphanet 676, MedGen C0238339, MONDO:0008185, OMIM 167800.

gnomAD v4.1: 2 of 1,614,202 alleles (0.00012%); highest among the groups gnomAD compares: Non-Finnish European, 0.00017%; no homozygotes.

Submission:

Ambry Genetics
Classification: Uncertain significance for Hereditary pancreatitis. Last evaluated: 2025-02-09. Review status: criteria provided, single submitter. Criteria: Ambry Variant Classification Scheme 2023. Collection method: clinical testing. Allele origin: germline.
Comment: The p.L381V variant (also known as c.1141C>G), located in coding exon 10 of the CPA1 gene, results from a C to G substitution at nucleotide position 1141. The leucine at codon 381 is replaced by valine, an amino acid with highly similar properties. This amino acid position is highly conserved in available vertebrate species. In addition, the in silico prediction for this alteration is inconclusive. Since supporting evidence is limited at this time, the clinical significance of this alteration remains unclear.